The following is an entry in ClinVar:

NM_015681.6(B9D1):c.391C>T (p.Gln131Ter)

Gene: B9D1 (B9 domain containing 1; minus strand). Cytogenetic location: 17p11.2.
Variant type: single nucleotide variant.
Coding change: c.391C>T on transcript NM_015681.6 (MANE Select); coding-DNA position 391, C replaced by T.
Protein change: p.Gln131Ter; replaces glutamine 131 with a stop codon.
Molecular consequence: nonsense.
Genome position (GRCh38, 1-based): chr17:19,347,282, G>A on the plus strand (C>T on the coding strand, the complement: B9D1 is on the minus strand). VCF-style: chr17-19347282-G-A. GRCh37 (hg19) VCF-style: chr17-19250595-G-A.
Other names: c.391C>T, p.Gln131Ter (NM_001321214.2, NM_001321215.3, NM_001321216.2 and 4 more transcripts); c.31C>T, p.Gln11Ter (NM_001368769.2); short protein forms Q11*, Q131*.
Identifiers: ClinVar variation 1930287 (VCV001930287.5), dbSNP rs1462645325, ClinGen allele CA398695839.

ClinVar aggregate classification (germline): Pathogenic (1 of 4 stars; one submission).

Conditions:
Joubert syndrome. Also called: CEREBELLOPARENCHYMAL DISORDER IV; JOUBERT-BOLTSHAUSER SYNDROME; Familial aplasia of the vermis. Identifiers: Orphanet 475, MedGen C5979921, MONDO:0018772.
Meckel-Gruber syndrome. Also called: DYSENCEPHALIA SPLANCHNOCYSTICA; GRUBER SYNDROME; Dysencephalia splachnocystica. Identifiers: Orphanet 564, MedGen C0265215, MONDO:0018921.

Allele frequency attached by ClinVar (database versions not stated): TOPMed below 0.00001.

Submission:

Labcorp Genetics (formerly Invitae), Labcorp
Classification: Pathogenic for Joubert syndrome; Meckel-Gruber syndrome. Last evaluated: 2022-03-12. Review status: criteria provided, single submitter. Criteria: Invitae Variant Classification Sherloc (09022015). Collection method: clinical testing. Allele origin: germline.
Comment: For these reasons, this variant has been classified as Pathogenic. This variant has not been reported in the literature in individuals affected with B9D1-related conditions. The frequency data for this variant in the population databases is considered unreliable, as metrics indicate poor data quality at this position in the gnomAD database. This sequence change creates a premature translational stop signal (p.Gln131*) in the B9D1 gene. It is expected to result in an absent or disrupted protein product. Loss-of-function variants in B9D1 are known to be pathogenic (PMID: 21493627).

Literature cited by the submitters: PubMed 21493627.